The following is an entry in ClinVar:

ClinVar aggregate classification (germline): Uncertain significance (1 of 4 stars; one submission).

Conditions:
Familial thoracic aortic aneurysm and aortic dissection (TAAD). Also called: Thoracic aortic aneurysms and dissections. Identifiers: Orphanet 91387, MedGen C4707243, MONDO:0019625.

Allele frequency attached by ClinVar (database versions not stated): gnomAD exomes 0.00003.
gnomAD v4.1: 43 of 1,614,126 alleles (0.0027%); highest among the groups gnomAD compares: Non-Finnish European, 0.0036%; no homozygotes.

Submission:

Color Diagnostics, LLC DBA Color Health
Classification: Uncertain significance for Familial thoracic aortic aneurysm and aortic dissection. Last evaluated: 2024-03-06. Review status: criteria provided, single submitter. Criteria: ACMG Guidelines, 2015. Collection method: clinical testing. Allele origin: germline.
Comment: This missense variant replaces threonine with serine at codon 2736 of the FBN1 protein. Computational prediction suggests that this variant may not impact protein structure and function (internally defined REVEL score threshold <= 0.5, PMID: 27666373). To our knowledge, functional studies have not been reported for this variant. This variant has not been reported in individuals affected with cardiovascular disorders in the literature. This variant has not been identified in the general population by the Genome Aggregation Database (gnomAD). The available evidence is insufficient to determine the role of this variant in disease conclusively. Therefore, this variant is classified as a Variant of Uncertain Significance.

NM_000138.5(FBN1):c.8207C>G (p.Thr2736Ser)

Gene: FBN1 (fibrillin 1; minus strand). Cytogenetic location: 15q21.1.
Variant type: single nucleotide variant.
Coding change: c.8207C>G on transcript NM_000138.5 (MANE Select); coding-DNA position 8207, C replaced by G.
Protein change: p.Thr2736Ser; replaces threonine 2736 with serine.
Molecular consequence: missense variant.
Genome position (GRCh38, 1-based): chr15:48,412,588, G>C on the plus strand (C>G on the coding strand, the complement: FBN1 is on the minus strand). VCF-style: chr15-48412588-G-C. GRCh37 (hg19) VCF-style: chr15-48704785-G-C.
Other names: short protein forms T2736S.
Identifiers: ClinVar variation 1172025 (VCV001172025.3), dbSNP rs2141211539, ClinGen allele CA392320718.